The following is an entry in ClinVar:

NM_024675.4(PALB2):c.276T>G (p.Thr92=)

Gene: PALB2 (partner and localizer of BRCA2; minus strand). Cytogenetic location: 16p12.2.
Variant type: single nucleotide variant.
Coding change: c.276T>G on transcript NM_024675.4 (MANE Select); coding-DNA position 276, T replaced by G.
Protein change: p.Thr92=; no amino-acid change (threonine 92 retained).
Molecular consequence: synonymous variant.
Genome position (GRCh38, 1-based): chr16:23,636,270, A>C on the plus strand (T>G on the coding strand, the complement: PALB2 is on the minus strand). VCF-style: chr16-23636270-A-C. GRCh37 (hg19) VCF-style: chr16-23647591-A-C.
Identifiers: ClinVar variation 460957 (VCV000460957.25), dbSNP rs1555461850, ClinGen allele CA494165751.
Genomic context (GRCh38, chr16:23,636,270, plus strand): 5'-GCCATCTCCAGGGTTAAAGGACTCAGGCCCAACATCAAGTGTGATAGATGTCTTTTCTCC[A>C]GTTTCTTCATCAAGATGGGTTTTGATGTGTAACTTGTCATAAACACATATTTTATTTTTA-3'
Protein context (NP_078951.2, residues 82-102): LHIKTHLDEE[Thr92=]GEKTSITLDV

ClinVar aggregate classification (germline): Benign/Likely benign. Review status: criteria provided, multiple submitters, no conflicts (2 of 4 stars). 4 submissions from 4 submitters: Benign (1); Likely benign (3). Last evaluated 2025-06-04.

Conditions:
Hereditary cancer-predisposing syndrome. Also called: Neoplastic Syndromes, Hereditary; Hereditary Cancer Syndrome; Hereditary neoplastic syndrome; Tumor predisposition. Identifiers: Orphanet 140162, MedGen C0027672, MeSH D009386, MONDO:0015356.
Familial cancer of breast. Also called: BREAST CANCER, FAMILIAL; Hereditary breast cancer; hereditary breast carcinoma. Identifiers: Orphanet 227535, MedGen C0346153, MONDO:0016419, OMIM 114480. Disease mechanism: loss of function.

Allele frequency attached by ClinVar (database versions not stated): gnomAD exomes below 0.00001.
gnomAD v4.1: 3 of 1,613,908 alleles (0.00019%); highest among the groups gnomAD compares: Non-Finnish European, 0.00025%; no homozygotes.

Submissions (4):

Labcorp Genetics (formerly Invitae), Labcorp
Classification: Likely benign for Familial cancer of breast. Last evaluated: 2025-06-04. Review status: criteria provided, single submitter. Criteria: Invitae Variant Classification Sherloc (09022015). Collection method: clinical testing. Allele origin: germline.

Myriad Genetics, Inc.
Classification: Benign for Familial cancer of breast. Last evaluated: 2025-01-10. Review status: criteria provided, single submitter. Criteria: Myriad Autosomal Dominant, Autosomal Recessive and X-Linked Classification Criteria (2023). Collection method: clinical testing. Allele origin: unknown.
Comment: This variant is considered benign. This variant is a silent/synonymous amino acid change and it is not expected to impact splicing.

Women's Health and Genetics/Laboratory Corporation of America, LabCorp
Classification: Likely benign. Last evaluated: 2023-07-31. Review status: criteria provided, single submitter. Criteria: LabCorp Variant Classification Summary - May 2015. Collection method: clinical testing. Allele origin: germline.

Ambry Genetics
Classification: Likely benign for Hereditary cancer-predisposing syndrome. Last evaluated: 2021-11-16. Review status: criteria provided, single submitter. Criteria: Ambry Variant Classification Scheme 2023. Collection method: clinical testing. Allele origin: germline.